The following is an entry in ClinVar:

NM_001042492.3(NF1):c.5280T>G (p.Thr1760=)

Gene: NF1 (neurofibromin 1; plus strand). Cytogenetic location: 17q11.2.
Variant type: single nucleotide variant.
Coding change: c.5280T>G on transcript NM_001042492.3 (MANE Select); coding-DNA position 5280, T replaced by G.
Protein change: p.Thr1760=; no amino-acid change (threonine 1760 retained).
Molecular consequence: synonymous variant.
Genome position (GRCh38, 1-based): chr17:31,327,510, T>G. VCF-style: chr17-31327510-T-G. GRCh37 (hg19) VCF-style: chr17-29654528-T-G.
Other names: c.5217T>G, p.Thr1739= (NM_000267.4).
Identifiers: ClinVar variation 3001705 (VCV003001705.5), dbSNP rs779104728, ClinGen allele CA499233290.

ClinVar aggregate classification (germline): Benign/Likely benign. Review status: criteria provided, multiple submitters, no conflicts (2 of 4 stars). 3 submissions from 3 submitters: Benign (1); Likely benign (2). Last evaluated 2026-09-29.

Conditions:
Neurofibromatosis, type 1 (NF1). Also called: NEUROFIBROMATOSIS, TYPE I, SOMATIC; VON RECKLINGHAUSEN DISEASE; Neurofibromatosis, type I; Peripheral type neurofibromatosis. Identifiers: Orphanet 636, MedGen C0027831, MONDO:0018975, OMIM 162200. Disease mechanism: loss of function.
Hereditary cancer-predisposing syndrome. Also called: Neoplastic Syndromes, Hereditary; Tumor predisposition; Hereditary Cancer Syndrome; Hereditary neoplastic syndrome. Identifiers: Orphanet 140162, MedGen C0027672, MeSH D009386, MONDO:0015356.
Cardiovascular phenotype. Identifiers: MedGen CN230736.

Submissions (3):

Myriad Genetics, Inc.
Classification: Benign for Neurofibromatosis, type 1. Last evaluated: 2026-09-29. Review status: criteria provided, single submitter. Criteria: Myriad Autosomal Dominant, Autosomal Recessive and X-Linked Classification Criteria (2023). Collection method: clinical testing. Allele origin: unknown.
Comment: This variant is considered benign. This variant is a silent/synonymous amino acid change and it is not expected to impact splicing.

Labcorp Genetics (formerly Invitae), Labcorp
Classification: Likely benign for Neurofibromatosis, type 1. Last evaluated: 2024-05-06. Review status: criteria provided, single submitter. Criteria: Invitae Variant Classification Sherloc (09022015). Collection method: clinical testing. Allele origin: germline.

Ambry Genetics
Classification: Likely benign for Cardiovascular phenotype; Hereditary cancer-predisposing syndrome. Last evaluated: 2023-09-29. Review status: criteria provided, single submitter. Criteria: Ambry Variant Classification Scheme 2023. Collection method: clinical testing. Allele origin: germline.